The following is an entry in ClinVar:

ClinVar aggregate classification (germline): Benign/Likely benign. Review status: criteria provided, multiple submitters, no conflicts (2 of 4 stars). 3 submissions from 3 submitters: Benign (1); Likely benign (2). Last evaluated 2025-11-10.

Conditions:
Hereditary cancer-predisposing syndrome. Also called: Hereditary neoplastic syndrome; Hereditary Cancer Syndrome; Tumor predisposition; Neoplastic Syndromes, Hereditary. Identifiers: Orphanet 140162, MedGen C0027672, MeSH D009386, MONDO:0015356.
Von Hippel-Lindau syndrome (VHLS). Also called: Von Hippel-Lindau; von Hippel–Lindau syndrome; VHL syndrome. Identifiers: Orphanet 892, MedGen C0019562, MONDO:0008667, OMIM 193300. Disease mechanism: loss of function.
Chuvash polycythemia. Also called: POLYCYTHEMIA, VHL-DEPENDENT. Identifiers: Orphanet 238557, MedGen C1837915, MONDO:0009892, OMIM 263400.

Allele frequency attached by ClinVar (database versions not stated): TOPMed below 0.00001; gnomAD 0.00001.
gnomAD v4.1: 1 of 1,613,872 alleles (0.000062%); highest among the groups gnomAD compares: Middle Eastern, 0.017%; no homozygotes.

Submissions (3):

Labcorp Genetics (formerly Invitae), Labcorp
Classification: Likely benign for Von Hippel-Lindau syndrome; Chuvash polycythemia. Last evaluated: 2025-11-10. Review status: criteria provided, single submitter. Criteria: Invitae Variant Classification Sherloc (09022015). Collection method: clinical testing. Allele origin: germline.

Myriad Genetics, Inc.
Classification: Benign for Von Hippel-Lindau syndrome. Last evaluated: 2025-06-12. Review status: criteria provided, single submitter. Criteria: Myriad Autosomal Dominant, Autosomal Recessive and X-Linked Classification Criteria (2023). Collection method: clinical testing. Allele origin: unknown.
Comment: This variant is considered benign. This variant is a silent/synonymous amino acid change and it is not expected to impact splicing.

Ambry Genetics
Classification: Likely benign for Hereditary cancer-predisposing syndrome. Last evaluated: 2022-12-04. Review status: criteria provided, single submitter. Criteria: Ambry Variant Classification Scheme 2023. Collection method: clinical testing. Allele origin: germline.

NM_000551.4(VHL):c.465G>A (p.Val155=)

Genes: VHL (von Hippel-Lindau tumor suppressor; plus strand), LOC107303340 (3p25 von Hippel-Lindau tumor suppressor, E3 ubiquitin protein ligase Alu-mediated recombination region; plus strand). Cytogenetic location: 3p25.3.
Variant type: single nucleotide variant.
Coding change: c.465G>A on transcript NM_000551.4 (MANE Select); coding-DNA position 465, G replaced by A.
Protein change: p.Val155=; no amino-acid change (valine 155 retained).
Molecular consequence: synonymous variant. On other transcripts: 3 prime UTR variant (1).
Genome position (GRCh38, 1-based): chr3:10,149,788, G>A. VCF-style: chr3-10149788-G-A. GRCh37 (hg19) VCF-style: chr3-10191472-G-A.
Other names: c.*19G>A (NM_001354723.2); c.342G>A, p.Val114= (NM_198156.3); c.465G>A (NM_000551.3).
Identifiers: ClinVar variation 1661756 (VCV001661756.11), dbSNP rs1696354036, ClinGen allele CA432423036.
Genomic context (GRCh38, chr3:10,149,788, plus strand): 5'-TTCGTTCCTTGTACTGAGACCCTAGTCTGCCACTGAGGATTTGGTTTTTGCCCTTCCAGT[G>A]TATACTCTGAAAGAGCGATGCCTCCAGGTTGTCCGGAGCCTAGTCAAGCCTGAGAATTAC-3'
Protein context (NP_000542.1, residues 145-165): QPIFANITLP[Val155=]YTLKERCLQV